The following is an entry in ClinVar:

ClinVar aggregate classification (germline): Uncertain significance (1 of 4 stars; one submission).

Submission:

Labcorp Genetics (formerly Invitae), Labcorp
Classification: Uncertain significance. Last evaluated: 2026-02-03. Review status: criteria provided, single submitter. Criteria: Invitae Variant Classification Sherloc (09022015). Collection method: clinical testing. Allele origin: germline.
Comment: This sequence change replaces alanine, which is neutral and non-polar, with threonine, which is neutral and polar, at codon 61 of the MNX1 protein (p.Ala61Thr). The frequency data for this variant in the population databases is considered unreliable, as metrics indicate insufficient coverage at this position in the gnomAD database. This variant has not been reported in the literature in individuals affected with MNX1-related conditions. Experimental studies and prediction algorithms are not available or were not evaluated, and the functional significance of this variant is currently unknown. In summary, the available evidence is currently insufficient to determine the role of this variant in disease. Therefore, it has been classified as a Variant of Uncertain Significance.

NM_005515.4(MNX1):c.181G>A (p.Ala61Thr)

Gene: MNX1 (motor neuron and pancreas homeobox 1; minus strand). Cytogenetic location: 7q36.3.
Variant type: single nucleotide variant.
Coding change: c.181G>A on transcript NM_005515.4 (MANE Select); coding-DNA position 181, G replaced by A.
Protein change: p.Ala61Thr; replaces alanine 61 with threonine.
Molecular consequence: missense variant.
Genome position (GRCh38, 1-based): chr7:157,010,170, C>T on the plus strand (G>A on the coding strand, the complement: MNX1 is on the minus strand). VCF-style: chr7-157010170-C-T. GRCh37 (hg19) VCF-style: chr7-156802864-C-T.
Other names: short protein forms A61T.
Identifiers: ClinVar variation 4762022 (VCV004762022.1).
Genomic context (GRCh38, chr7:157,010,170, plus strand): 5'-GCGGCGACGGGCTCTCGGCGCGCAGGCGGTCGGCGGGCGCAGCCGGCGGCTCCGAGGACG[C>T]GGGGCTGCAGCTGCCGCTAGTCCCGCCGCTCGCCCCGCCGCCGCCGCCGCCACCTCCGGT-3'
Protein context (NP_005506.3, residues 51-71): SGGTSGSCSP[Ala61Thr]SSEPPAAPAD